The following is an entry in ClinVar:

ClinVar aggregate classification (germline): Uncertain significance. Review status: criteria provided, multiple submitters, no conflicts (2 of 4 stars). 2 submissions from 2 submitters: Uncertain significance (2). Last evaluated 2025-06-22.

Conditions:
Hereditary cancer-predisposing syndrome. Also called: Neoplastic Syndromes, Hereditary; Tumor predisposition; Hereditary neoplastic syndrome; Hereditary Cancer Syndrome. Identifiers: Orphanet 140162, MedGen C0027672, MeSH D009386, MONDO:0015356.

Submissions (2):

Ambry Genetics
Classification: Uncertain significance for Hereditary cancer-predisposing syndrome. Last evaluated: 2025-06-22. Review status: criteria provided, single submitter. Criteria: Ambry Variant Classification Scheme 2023. Collection method: clinical testing. Allele origin: germline.
Comment: The p.G812S variant (also known as c.2434G>A), located in coding exon 17 of the KIT gene, results from a G to A substitution at nucleotide position 2434. The glycine at codon 812 is replaced by serine, an amino acid with similar properties. This amino acid position is conserved. In addition, this alteration is predicted to be deleterious by in silico analysis. Based on the available evidence, the clinical significance of this variant remains unclear.

Blueprint Genetics
Classification: Uncertain significance. Last evaluated: 2024-06-18. Review status: criteria provided, single submitter. Criteria: ACMG Guidelines, 2015. Collection method: clinical testing. Allele origin: germline.

NM_000222.3(KIT):c.2434G>A (p.Gly812Ser)

Gene: KIT (KIT proto-oncogene, receptor tyrosine kinase; plus strand). Cytogenetic location: 4q12.
Variant type: single nucleotide variant.
Coding change: c.2434G>A on transcript NM_000222.3 (MANE Select); coding-DNA position 2434, G replaced by A.
Protein change: p.Gly812Ser; replaces glycine 812 with serine.
Molecular consequence: missense variant.
Genome position (GRCh38, 1-based): chr4:54,733,142, G>A. VCF-style: chr4-54733142-G-A. GRCh37 (hg19) VCF-style: chr4-55599308-G-A.
Other names: c.2422G>A, p.Gly808Ser (NM_001093772.2, NM_001385292.1); c.2437G>A, p.Gly813Ser (NM_001385284.1); c.2431G>A, p.Gly811Ser (NM_001385285.1); c.2419G>A, p.Gly807Ser (NM_001385286.1); c.2425G>A, p.Gly809Ser (NM_001385288.1); c.2434G>A, p.Gly812Ser (NM_001385290.1); short protein forms G808S, G807S, G813S, G812S, G809S, G811S.
Identifiers: ClinVar variation 4093173 (VCV004093173.2).